The following is an entry in ClinVar:

ClinVar aggregate classification (germline): Uncertain significance (1 of 4 stars; one submission).

Conditions:
Leigh syndrome (NULS). Also called: Leigh's necrotizing encephalopathy; Leigh's disease; Leigh Syndrome (mtDNA deletion); Leigh Disease; Subacute necrotizing encephalopathy; Necrotizing encephalopathy infantile subacute of Leigh. Identifiers: Orphanet 506, MedGen C2931891, MONDO:0009723, OMIM 256000.

Submission:

Wong Mito Lab, Molecular and Human Genetics, Baylor College of Medicine
Classification: Uncertain significance for Leigh syndrome. Last evaluated: 2019-10-17. Review status: criteria provided, single submitter. Criteria: Modified ACMG Guidelines (Unpublished). Collection method: clinical testing. Allele origin: germline.
Comment: The NC_012920.1:m.6642A>G (YP_003024028.1:p.Ile247Val) variant in MTCO1 gene is interpretated to be a Uncertain Significance variant based on the modified ACMG guidelines (unpublished). This variant meets the following evidence codes: PP3, PP6, PP7, BP5

NC_012920.1(MT-CO1):m.6642A>G

Gene: MT-CO1 (mitochondrially encoded cytochrome c oxidase I; plus strand).
Variant type: single nucleotide variant.
Genome position: chrM-6642-A-G.
Identifiers: ClinVar variation 692662 (VCV000692662.1), dbSNP rs1603220559, ClinGen allele CA414785332.
Genomic context (GRCh38, chrMT:6,642, plus strand): 5'-GACCCCATTCTATACCAACACCTATTCTGATTTTTCGGTCACCCTGAAGTTTATATTCTT[A>G]TCCTACCAGGCTTCGGAATAATCTCCCATATTGTAACTTACTACTCCGGAAAAAAAGAAC-3'